The following is an entry in ClinVar:

NM_002292.4(LAMB2):c.3192G>C (p.Gln1064His)

Gene: LAMB2 (laminin subunit beta 2; minus strand). Cytogenetic location: 3p21.31.
Variant type: single nucleotide variant.
Coding change: c.3192G>C on transcript NM_002292.4 (MANE Select); coding-DNA position 3192, G replaced by C.
Protein change: p.Gln1064His; replaces glutamine 1064 with histidine.
Molecular consequence: missense variant.
Genome position (GRCh38, 1-based): chr3:49,124,530, C>G on the plus strand (G>C on the coding strand, the complement: LAMB2 is on the minus strand). VCF-style: chr3-49124530-C-G. GRCh37 (hg19) VCF-style: chr3-49161963-C-G.
Other names: short protein forms Q1064H.
Identifiers: ClinVar variation 472475 (VCV000472475.1), dbSNP rs1553778039, ClinGen allele CA352711502.

ClinVar aggregate classification (germline): Uncertain significance (1 of 4 stars; one submission).

Conditions:
Pierson syndrome. Also called: MICROCORIA-CONGENITAL NEPHROTIC SYNDROME. Identifiers: Orphanet 2670, MedGen C1836876, MONDO:0012184, OMIM 609049.
LAMB2-related infantile-onset nephrotic syndrome. Also called: NEPHROTIC SYNDROME, TYPE 5, WITHOUT OCULAR ABNORMALITIES; NEPHROTIC SYNDROME, TYPE 5, WITH OCULAR ABNORMALITIES; Nephrotic Syndrome, type 5. Identifiers: Orphanet 306507, MedGen C3280113, MONDO:0013621, OMIM 614199.

Allele frequency attached by ClinVar (database versions not stated): gnomAD exomes below 0.00001.
gnomAD v4.1: 2 of 1,613,842 alleles (0.00012%); highest among the groups gnomAD compares: Admixed American, 0.0017%; no homozygotes.

Submission:

Labcorp Genetics (formerly Invitae), Labcorp
Classification: Uncertain significance for LAMB2-related infantile-onset nephrotic syndrome; Pierson syndrome. Last evaluated: 2017-06-12. Review status: criteria provided, single submitter. Criteria: Invitae Variant Classification Sherloc (09022015). Collection method: clinical testing. Allele origin: germline.
Comment: This sequence change replaces glutamine with histidine at codon 1064 of the LAMB2 protein (p.Gln1064His). The glutamine residue is highly conserved and there is a small physicochemical difference between glutamine and histidine. This variant is not present in population databases (ExAC no frequency). This variant has not been reported in the literature in individuals with a LAMB2-related disease. Algorithms developed to predict the effect of missense changes on protein structure and function do not agree on the potential impact of this missense change (SIFT: "Deleterious"; PolyPhen-2: "Probably Damaging"; Align-GVGD: "Class C15"). In summary, this variant has uncertain impact on LAMB2 function. The available evidence is currently insufficient to determine its role in disease. Therefore, it has been classified as a Variant of Uncertain Significance.